The following is an entry in ClinVar:

NM_032380.5(GFM2):c.1672G>A (p.Gly558Arg)

Gene: GFM2 (GTP dependent ribosome recycling factor mitochondrial 2; minus strand). Cytogenetic location: 5q13.3.
Variant type: single nucleotide variant.
Coding change: c.1672G>A on transcript NM_032380.5 (MANE Select); coding-DNA position 1672, G replaced by A.
Protein change: p.Gly558Arg; replaces glycine 558 with arginine.
Molecular consequence: missense variant.
Genome position (GRCh38, 1-based): chr5:74,730,314, C>T on the plus strand (G>A on the coding strand, the complement: GFM2 is on the minus strand). VCF-style: chr5-74730314-C-T. GRCh37 (hg19) VCF-style: chr5-74026139-C-T.
Other names: c.1768G>A, p.Gly590Arg (NM_001281302.2); c.1531G>A, p.Gly511Arg (NM_170691.3); short protein forms G558R, G511R, G590R.
Identifiers: ClinVar variation 1386171 (VCV001386171.8), dbSNP rs146794329, ClinGen allele CA3306456.

ClinVar aggregate classification (germline): Uncertain significance (1 of 4 stars; one submission).

Allele frequency attached by ClinVar (database versions not stated): gnomAD exomes below 0.00001 and 0.00001; TOPMed 0.00001; ExAC 0.00002; gnomAD 0.00003; ESP Exome Variant Server 0.00008.
gnomAD v4.1: 10 of 1,612,964 alleles (0.00062%); highest among the groups gnomAD compares: African/African-American, 0.008%; no homozygotes.

Submission:

Labcorp Genetics (formerly Invitae), Labcorp
Classification: Uncertain significance. Last evaluated: 2024-02-23. Review status: criteria provided, single submitter. Criteria: Invitae Variant Classification Sherloc (09022015). Collection method: clinical testing. Allele origin: germline.
Comment: This sequence change replaces glycine, which is neutral and non-polar, with arginine, which is basic and polar, at codon 558 of the GFM2 protein (p.Gly558Arg). This variant is present in population databases (rs146794329, gnomAD 0.003%). This variant has not been reported in the literature in individuals affected with GFM2-related conditions. ClinVar contains an entry for this variant (Variation ID: 1386171). Advanced modeling of protein sequence and biophysical properties (such as structural, functional, and spatial information, amino acid conservation, physicochemical variation, residue mobility, and thermodynamic stability) performed at Invitae indicates that this missense variant is expected to disrupt GFM2 protein function with a positive predictive value of 80%. In summary, the available evidence is currently insufficient to determine the role of this variant in disease. Therefore, it has been classified as a Variant of Uncertain Significance.